The following is an entry in ClinVar:

NM_001110556.2(FLNA):c.1A>C (p.Met1Leu)

Gene: FLNA (filamin A; minus strand). Cytogenetic location: Xq28.
Variant type: single nucleotide variant.
Coding change: c.1A>C on transcript NM_001110556.2 (MANE Select); coding-DNA position 1, A replaced by C.
Protein change: p.Met1Leu; changes the start codon (methionine 1).
Molecular consequence: missense variant, initiator codon variant.
Genome position (GRCh38, 1-based): chrX:154,371,245, T>G on the plus strand (A>C on the coding strand, the complement: FLNA is on the minus strand). VCF-style: chrX-154371245-T-G. GRCh37 (hg19) VCF-style: chrX-153599613-T-G.
Other names: c.1A>C, p.Met1Leu (NM_001456.4); short protein forms M1L.
Identifiers: ClinVar variation 3256578 (VCV003256578.1).

ClinVar aggregate classification (germline): Likely pathogenic (1 of 4 stars; one submission).

Conditions:
Melnick-Needles syndrome (MNS). Also called: MELNICK-NEEDLES OSTEODYSPLASTY; OSTEODYSPLASTY OF MELNICK AND NEEDLES; Melnick-Needles Syndrome (FLNA-MNS). Identifiers: Orphanet 2484, MedGen C0025237, MONDO:0010650, OMIM 309350.

Submission:

Laboratory of Medical Genetics, National & Kapodistrian University of Athens
Classification: Likely pathogenic for Melnick-Needles syndrome. Last evaluated: 2023-12-14. Review status: criteria provided, single submitter. Criteria: ACMG Guidelines, 2015. Collection method: clinical testing. Allele origin: germline. Affected: yes.
Comment: PVS1, PM2 - The variant is expected to result in an absent or disrupted protein product. Low frequency in gnomAD population databases.